The following is an entry in ClinVar:

NM_005670.4(EPM2A):c.136G>C (p.Ala46Pro)

Genes: EPM2A (EPM2A glucan phosphatase, laforin; minus strand), EPM2A-DT (EPM2A divergent transcript; plus strand), LOC129997381 (ATAC-STARR-seq lymphoblastoid silent region 17642; plus strand). Cytogenetic location: 6q24.3.
Variant type: single nucleotide variant.
Coding change: c.136G>C on transcript NM_005670.4 (MANE Select); coding-DNA position 136, G replaced by C.
Protein change: p.Ala46Pro; replaces alanine 46 with proline.
Molecular consequence: missense variant. On other transcripts: 5 prime UTR variant (3), intron variant (1).
Genome position (GRCh38, 1-based): chr6:145,735,363, C>G on the plus strand (G>C on the coding strand, the complement: EPM2A is on the minus strand). VCF-style: chr6-145735363-C-G. GRCh37 (hg19) VCF-style: chr6-146056499-C-G.
Other names: p.A46P:GCG>CCG; c.136G>C, p.Ala46Pro (NM_001018041.2, NM_001360057.2, NM_001368130.1); c.-534G>C (NM_001360071.2); c.-488G>C (NM_001368129.2); c.-232G>C (NM_001368131.1); c.-114+545G>C (NM_001360064.2); short protein forms A46P.
Identifiers: ClinVar variation 162617 (VCV000162617.23), dbSNP rs374338349, ClinGen allele CA302699.

ClinVar aggregate classification (germline): Benign/Likely benign. Review status: criteria provided, multiple submitters, no conflicts (2 of 4 stars). 9 submissions from 9 submitters: Benign (7); Likely benign (1). 1 of the submissions does not count toward it. Last evaluated 2026-02-03.

Conditions:
Inborn genetic diseases. Identifiers: MedGen C0950123, MeSH D030342.
Progressive myoclonic epilepsy. Also called: Myoclonus epilepsy; Myoclonic Epilepsies, Progressive; Familial progressive myoclonic epilepsy; Progressive myoclonus epilepsy. Identifiers: Orphanet 308, Orphanet 98261, MedGen C0751778, MONDO:0020074.
Lafora disease. Also called: Epilepsy progressive myoclonic 2; Progressive Myoclonus Epilepsy, Lafora Type. Identifiers: Orphanet 501, MedGen C0751783, MONDO:0009697.

Allele frequency attached by ClinVar (database versions not stated): TOPMed 0.00615; ExAC 0.02075; 1000 Genomes Project 0.01158.
gnomAD v4.1: 3,030 of 788,066 alleles (0.38%); highest among the groups gnomAD compares: East Asian, 13%; 92 homozygotes.

Submissions (9):

Labcorp Genetics (formerly Invitae), Labcorp
Classification: Benign for Progressive myoclonic epilepsy. Last evaluated: 2026-02-03. Review status: criteria provided, single submitter. Criteria: Invitae Variant Classification Sherloc (09022015). Collection method: clinical testing. Allele origin: germline.

Mayo Clinic Laboratories, Mayo Clinic
Classification: Benign. Last evaluated: 2025-04-10. Review status: criteria provided, single submitter. Criteria: ACMG Guidelines, 2015. Collection method: clinical testing. Allele origin: germline. Observed: 2 variant alleles.
Comment: BA1, BS2, BP4

Fulgent Genetics
Classification: Likely benign for Myoclonic epilepsy of Lafora 1. Last evaluated: 2021-08-10. Review status: criteria provided, single submitter. Criteria: ACMG Guidelines, 2015. Collection method: clinical testing. Allele origin: unknown.

Athena Diagnostics
Classification: Benign. Last evaluated: 2017-12-21. Review status: criteria provided, single submitter. Criteria: Athena Diagnostics Criteria. Collection method: clinical testing. Allele origin: germline.

Ambry Genetics
Classification: Benign for Inborn genetic diseases. Last evaluated: 2017-11-10. Review status: criteria provided, single submitter. Criteria: Ambry Variant Classification Scheme 2023. Collection method: clinical testing. Allele origin: germline.

GeneDx
Classification: Benign. Last evaluated: 2015-03-16. Review status: criteria provided, single submitter. Criteria: GeneDx Variant Classification (06012015). Collection method: clinical testing. Allele origin: germline. Affected: yes.
Comment: This variant is considered likely benign or benign based on one or more of the following criteria: it is a conservative change, it occurs at a poorly conserved position in the protein, it is predicted to be benign by multiple in silico algorithms, and/or has population frequency not consistent with disease.

Eurofins Ntd Llc (ga)
Classification: Benign. Last evaluated: 2014-09-08. Review status: criteria provided, single submitter. Criteria: EGL Classification Definitions 2015. Collection method: clinical testing. Allele origin: germline. Observed: 3 variant alleles, 3 heterozygotes.

PreventionGenetics, part of Exact Sciences
Classification: Benign. Review status: criteria provided, single submitter. Criteria: ACMG Guidelines, 2015. Collection method: clinical testing. Allele origin: germline.

GeneReviews
No classification provided. Condition: Lafora disease. Review status: no classification provided. Collection method: literature only. Allele origin: germline. Affected: yes. Not counted in ClinVar's aggregate classification.

Literature cited by the submitters: PubMed 11735300 (cited by 5 submitters); PubMed 16021330 (cited by Mayo Clinic Laboratories, Mayo Clinic and Athena Diagnostics); PubMed 29924869 (cited by Mayo Clinic Laboratories, Mayo Clinic); PubMed 14706656 (cited by Athena Diagnostics); NCBI Bookshelf NBK1389 (cited by GeneReviews).